The following is an entry in ClinVar:

ClinVar aggregate classification (germline): Likely benign (0 of 4 stars; one submission).

Conditions:
SYNM-related disorder. Also called: SYNM-related condition.

Allele frequency attached by ClinVar (database versions not stated): 1000 Genomes Project 0.00040; 1000 Genomes Project 30x 0.00125; ExAC 0.00233; TOPMed 0.00280; gnomAD 0.00307.
gnomAD v4.1: 7,173 of 1,506,676 alleles (0.48%); highest among the groups gnomAD compares: Non-Finnish European, 0.57%; 25 homozygotes.

Submission:

PreventionGenetics, part of Exact Sciences
Classification: Likely benign for SYNM-related condition. Last evaluated: 2019-05-28. Review status: no assertion criteria provided. Collection method: clinical testing. Allele origin: germline.
Comment: This variant is classified as likely benign based on ACMG/AMP sequence variant interpretation guidelines (Richards et al. 2015 PMID: 25741868, with internal and published modifications).

NM_145728.3(SYNM):c.217G>C (p.Glu73Gln)

Genes: SYNM (synemin; plus strand), SYNM-AS1 (SYNM antisense RNA 1; minus strand), LOC130058014 (ATAC-STARR-seq lymphoblastoid silent region 6864; plus strand). Cytogenetic location: 15q26.3.
Variant type: single nucleotide variant.
Coding change: c.217G>C on transcript NM_145728.3 (MANE Select); coding-DNA position 217, G replaced by C.
Protein change: p.Glu73Gln; replaces glutamic acid 73 with glutamine.
Molecular consequence: missense variant.
Genome position (GRCh38, 1-based): chr15:99,105,416, G>C. VCF-style: chr15-99105416-G-C. GRCh37 (hg19) VCF-style: chr15-99645622-G-C.
Other names: c.217G>C, p.Glu73Gln (NM_015286.6); short protein forms E73Q.
Identifiers: ClinVar variation 3053288 (VCV003053288.2), dbSNP rs539258983, ClinGen allele CA7753272.